The following is an entry in ClinVar:

ClinVar aggregate classification (germline): Likely pathogenic. Review status: criteria provided, multiple submitters, no conflicts (2 of 4 stars). 3 submissions from 3 submitters: Likely pathogenic (3). Last evaluated 2024-08-09.

Conditions:
Hereditary pancreatitis (PCTT). Also called: Hereditary chronic pancreatitis; PRSS1-Related Hereditary Pancreatitis. Identifiers: Orphanet 676, MedGen C0238339, MONDO:0008185, OMIM 167800.
CFTR-related disorder (CFTR-RD). Also called: CFTR-related condition; CFTR-related disorders. Identifiers: MedGen C5924204, MONDO:7770004.
Cystic fibrosis (CF). Also called: MUCOVISCIDOSIS. Identifiers: Orphanet 586, MedGen C0010674, MONDO:0009061, OMIM 219700. Disease mechanism: loss of function.

Submissions (3):

Women's Health and Genetics/Laboratory Corporation of America, LabCorp
Classification: Likely pathogenic for Hereditary pancreatitis. Last evaluated: 2024-08-09. Review status: criteria provided, single submitter. Criteria: LabCorp Variant Classification Summary - May 2015. Collection method: clinical testing. Allele origin: germline.
Comment: Variant summary: CFTR c.3964-1_3964delinsTT is located in a canonical splice-site and is predicted to affect mRNA splicing resulting in a significantly altered protein due to either exon skipping, shortening, or inclusion of intronic material. Variants that disrupt the consensus splice site are a relatively common cause of aberrant splicing and loss of CFTR function. Several computational tools predict a significant impact on normal splicing: Four predict the variant abolishes a 3' acceptor site. However, these predictions have yet to be confirmed by functional studies. The variant was absent in 251056 control chromosomes. To our knowledge, no occurrence of c.3964-1_3964delinsTT in individuals affected with Chronic Pancreatitis Risk and no experimental evidence demonstrating its impact on protein function have been reported. ClinVar contains an entry for this variant (Variation ID: 2158111). Based on the evidence outlined above, the variant was classified as likely pathogenic.

Natera, Inc.
Classification: Likely pathogenic for CFTR-related disorders. Last evaluated: 2024-04-09. Review status: criteria provided, single submitter. Criteria: Natera Variant Classification Schema (03/2026). Collection method: clinical testing. Allele origin: germline.
Comment: The c.3964-1_3964delGGinsTT variant in CFTR is a canonical splice acceptor site variant predicted to affect pre-mRNA splicing, which may result in an abnormal transcript and altered protein product. This variant is expected to result in nonsense mediated decay, truncation, or a dysfunctional protein product. This variant is rare in the general population with a frequency below the threshold expected for the associated phenotype(s). Given the available evidence, this variant is classified as Likely Pathogenic.

Labcorp Genetics (formerly Invitae), Labcorp
Classification: Likely pathogenic for Cystic fibrosis. Last evaluated: 2023-09-18. Review status: criteria provided, single submitter. Criteria: Invitae Variant Classification Sherloc (09022015). Collection method: clinical testing. Allele origin: germline.
Comment: This variant has not been reported in the literature in individuals affected with CFTR-related conditions. In summary, the currently available evidence indicates that the variant is pathogenic, but additional data are needed to prove that conclusively. Therefore, this variant has been classified as Likely Pathogenic. ClinVar contains an entry for this variant (Variation ID: 2158111). Information on the frequency of this variant in the gnomAD database is not available, as this variant may be reported differently in the database. This variant results in the deletion of part of exon 25 (c.3964-1_3964delinsTT) of the CFTR gene. It is expected to disrupt RNA splicing. Variants that disrupt the donor or acceptor splice site typically lead to a loss of protein function (PMID: 16199547), and loss-of-function variants in CFTR are known to be pathogenic (PMID: 1695717, 7691345, 9725922).

Literature cited by the submitters: PubMed 16199547 (cited by Labcorp Genetics (formerly Invitae), Labcorp); PubMed 1695717 (cited by Labcorp Genetics (formerly Invitae), Labcorp); PubMed 7691345 (cited by Labcorp Genetics (formerly Invitae), Labcorp); PubMed 9725922 (cited by Labcorp Genetics (formerly Invitae), Labcorp).

NM_000492.4(CFTR):c.3964-1_3964delinsTT

Gene: CFTR (CF transmembrane conductance regulator; plus strand). Cytogenetic location: 7q31.2.
Variant type: Indel.
Coding change: c.3964-1_3964delinsTT on transcript NM_000492.4 (MANE Select); the canonical splice acceptor site of the intron before coding-DNA position 3964 through coding-DNA position 3964, GG replaced by TT.
Molecular consequence: splice acceptor variant.
Genome position (GRCh38, 1-based): chr7:117,664,687-117,664,688, GG replaced by TT. VCF-style: chr7-117664687-GG-TT. GRCh37 (hg19) VCF-style: chr7-117304741-GG-TT.
Other names: c.3964-1_3964delGGinsTT (NM_000492.3).
Identifiers: ClinVar variation 2158111 (VCV002158111.6), dbSNP rs2485181593, ClinGen allele CA2580076352.